The following is an entry in ClinVar:

ClinVar aggregate classification (germline): Likely pathogenic (1 of 4 stars; one submission).

Conditions:
Autosomal dominant childhood-onset proximal spinal muscular atrophy without contractures. Also called: SPINAL MUSCULAR ATROPHY, JUVENILE, PROXIMAL, AUTOSOMAL DOMINANT; Spinal muscular atrophy, lower extremity-predominant 1, AD; SPINAL MUSCULAR ATROPHY, CHILDHOOD, PROXIMAL, AUTOSOMAL DOMINANT; KUGELBERG-WELANDER SYNDROME, AUTOSOMAL DOMINANT. Identifiers: Orphanet 209341, Orphanet 363447, MedGen C5780022, MONDO:0008026, OMIM 158600.

Submission:

3billion
Classification: Likely pathogenic for Autosomal dominant childhood-onset proximal spinal muscular atrophy without contractures. Last evaluated: 2022-03-22. Review status: criteria provided, single submitter. Criteria: ACMG Guidelines, 2015. Collection method: clinical testing. Allele origin: germline. Affected: yes. Observed: 1 heterozygote.
Comment: Different nucleotide change resulting in same amino acid change has been previously reported to be associated with DYNC1H1 related disorder (PS1, ClinVar ID: VCV000373146). In silico tool predictions suggest damaging effect of the variant on gene or gene product(REVEL: 0.752>=0.6).Missense changes are a common disease-causing mechanism. It is not observed in the gnomAD v2.1.1 dataset. Therefore, this variant is classified as likely pathogenic according to the recommendation of ACMG/AMP guideline.

NM_001376.5(DYNC1H1):c.1867T>C (p.Phe623Leu)

Gene: DYNC1H1 (dynein cytoplasmic 1 heavy chain 1; plus strand). Cytogenetic location: 14q32.31.
Variant type: single nucleotide variant.
Coding change: c.1867T>C on transcript NM_001376.5 (MANE Select); coding-DNA position 1867, T replaced by C.
Protein change: p.Phe623Leu; replaces phenylalanine 623 with leucine.
Molecular consequence: missense variant.
Genome position (GRCh38, 1-based): chr14:101,986,092, T>C. VCF-style: chr14-101986092-T-C. GRCh37 (hg19) VCF-style: chr14-102452429-T-C.
Other names: short protein forms F623L.
Identifiers: ClinVar variation 1526100 (VCV001526100.1), dbSNP rs2141274749, ClinGen allele CA391019596.
Genomic context (GRCh38, chr14:101,986,092, plus strand): 5'-GAATACCAGACCCAGCTGATCCAGCGCGTGAAAGATGACATTGAGTCTCTTCACGACAAG[T>C]TCAAGGTCCAGTACCCACAGAGTCAGGCTTGTAAGATGAGTCACGTTCGTGACTTGCCCC-3'
Protein context (NP_001367.2, residues 613-633): KDDIESLHDK[Phe623Leu]KVQYPQSQAC